The following is an entry in ClinVar:

ClinVar aggregate classification (germline): Uncertain significance (1 of 4 stars; one submission).

Conditions:
PLXNA1-related disorder. Also called: PLXNA1-related condition.

Submission:

PreventionGenetics, part of Exact Sciences
Classification: Uncertain significance for PLXNA1-related condition. Last evaluated: 2026-04-21. Review status: criteria provided, single submitter. Criteria: ACMG Guidelines, 2015. Collection method: clinical testing. Allele origin: germline.
Comment: The PLXNA1 c.2573G>C variant is predicted to result in the amino acid substitution p.Ser858Thr. To our knowledge, this variant has not been reported in the literature or in a large population database (gnomAD), indicating this variant is rare. At this time, the clinical significance of this variant is uncertain due to the absence of conclusive functional and genetic evidence.

NM_032242.4(PLXNA1):c.2573G>C (p.Ser858Thr)

Gene: PLXNA1 (plexin A1; plus strand). Cytogenetic location: 3q21.3.
Variant type: single nucleotide variant.
Coding change: c.2573G>C on transcript NM_032242.4 (MANE Select); coding-DNA position 2573, G replaced by C.
Protein change: p.Ser858Thr; replaces serine 858 with threonine.
Molecular consequence: missense variant.
Genome position (GRCh38, 1-based): chr3:127,014,344, G>C. VCF-style: chr3-127014344-G-C. GRCh37 (hg19) VCF-style: chr3-126733187-G-C.
Other names: short protein forms S858T.
Identifiers: ClinVar variation 4986207 (VCV004986207.1).